The following is an entry in ClinVar:

NM_000238.4(KCNH2):c.896C>T (p.Pro299Leu)

Gene: KCNH2 (potassium voltage-gated channel subfamily H member 2; minus strand). Cytogenetic location: 7q36.1.
Variant type: single nucleotide variant.
Coding change: c.896C>T on transcript NM_000238.4 (MANE Select); coding-DNA position 896, C replaced by T.
Protein change: p.Pro299Leu; replaces proline 299 with leucine.
Molecular consequence: missense variant.
Genome position (GRCh38, 1-based): chr7:150,958,079, G>A on the plus strand (C>T on the coding strand, the complement: KCNH2 is on the minus strand). VCF-style: chr7-150958079-G-A. GRCh37 (hg19) VCF-style: chr7-150655167-G-A.
Other names: c.608C>T, p.Pro203Leu (NM_001406753.1, NM_001406756.1); c.719C>T, p.Pro240Leu (NM_001406755.1); c.596C>T, p.Pro199Leu (NM_001406757.1); c.896C>T, p.Pro299Leu (NM_172056.3); short protein forms P299L, P199L, P240L, P203L.
Identifiers: ClinVar variation 641100 (VCV000641100.7), dbSNP rs1584865137, ClinGen allele CA369862111.

ClinVar aggregate classification (germline): Uncertain significance (1 of 4 stars; one submission).

Conditions:
Long QT syndrome (LQTS). Identifiers: MedGen C0023976, MeSH D008133, MONDO:0002442. Disease mechanism: loss of function. Inheritance: Various modes of inheritance.

Submission:

Labcorp Genetics (formerly Invitae), Labcorp
Classification: Uncertain significance for Long QT syndrome. Last evaluated: 2025-09-03. Review status: criteria provided, single submitter. Criteria: Invitae Variant Classification Sherloc (09022015). Collection method: clinical testing. Allele origin: germline.
Comment: This sequence change replaces proline, which is neutral and non-polar, with leucine, which is neutral and non-polar, at codon 299 of the KCNH2 protein (p.Pro299Leu). This variant is not present in population databases (gnomAD no frequency). This variant has not been reported in the literature in individuals affected with KCNH2-related conditions. ClinVar contains an entry for this variant (Variation ID: 641100). An algorithm developed to predict the effect of missense changes on protein structure and function (PolyPhen-2) suggests that this variant is likely to be tolerated. In summary, the available evidence is currently insufficient to determine the role of this variant in disease. Therefore, it has been classified as a Variant of Uncertain Significance.